The following is an entry in ClinVar:

NM_001278512.2(AP3B2):c.908G>A (p.Arg303Gln)

Genes: AP3B2 (adaptor related protein complex 3 subunit beta 2; minus strand), CPEB1-AS1 (CPEB1 antisense RNA 1; plus strand). Cytogenetic location: 15q25.2.
Variant type: single nucleotide variant.
Coding change: c.908G>A on transcript NM_001278512.2 (MANE Select); coding-DNA position 908, G replaced by A.
Protein change: p.Arg303Gln; replaces arginine 303 with glutamine.
Molecular consequence: missense variant.
Genome position (GRCh38, 1-based): chr15:82,680,619, C>T on the plus strand (G>A on the coding strand, the complement: AP3B2 is on the minus strand). VCF-style: chr15-82680619-C-T. GRCh37 (hg19) VCF-style: chr15-83349371-C-T.
Other names: c.812G>A, p.Arg271Gln (NM_001278511.2); c.908G>A, p.Arg303Gln (NM_004644.5); short protein forms R303Q, R271Q.
Identifiers: ClinVar variation 1516137 (VCV001516137.8), dbSNP rs1279518159, ClinGen allele CA393295002.

ClinVar aggregate classification (germline): Uncertain significance (1 of 4 stars; one submission).

Allele frequency attached by ClinVar (database versions not stated): gnomAD exomes below 0.00001.
gnomAD v4.1: 3 of 1,596,146 alleles (0.00019%); highest among the groups gnomAD compares: South Asian, 0.0011%; no homozygotes.

Submission:

Labcorp Genetics (formerly Invitae), Labcorp
Classification: Uncertain significance. Last evaluated: 2024-07-29. Review status: criteria provided, single submitter. Criteria: Invitae Variant Classification Sherloc (09022015). Collection method: clinical testing. Allele origin: germline.
Comment: This sequence change replaces arginine, which is basic and polar, with glutamine, which is neutral and polar, at codon 303 of the AP3B2 protein (p.Arg303Gln). The frequency data for this variant in the population databases is considered unreliable, as metrics indicate poor data quality at this position in the gnomAD database. This variant has not been reported in the literature in individuals affected with AP3B2-related conditions. ClinVar contains an entry for this variant (Variation ID: 1516137). An algorithm developed to predict the effect of missense changes on protein structure and function (PolyPhen-2) suggests that this variant is likely to be tolerated. In summary, the available evidence is currently insufficient to determine the role of this variant in disease. Therefore, it has been classified as a Variant of Uncertain Significance.